The following is an entry in ClinVar:

NM_000352.6(ABCC8):c.329C>T (p.Ala110Val)

Gene: ABCC8 (ATP binding cassette subfamily C member 8; minus strand). Cytogenetic location: 11p15.1.
Variant type: single nucleotide variant.
Coding change: c.329C>T on transcript NM_000352.6 (MANE Select); coding-DNA position 329, C replaced by T.
Protein change: p.Ala110Val; replaces alanine 110 with valine.
Molecular consequence: missense variant. On other transcripts: non-coding transcript variant (1).
Genome position (GRCh38, 1-based): chr11:17,470,184, G>A on the plus strand (C>T on the coding strand, the complement: ABCC8 is on the minus strand). VCF-style: chr11-17470184-G-A. GRCh37 (hg19) VCF-style: chr11-17491731-G-A.
Other names: c.329C>T, p.Ala110Val (NM_001287174.3, NM_001351295.2, NM_001351296.2 and 1 more transcripts); short protein forms A110V.
Identifiers: ClinVar variation 3371583 (VCV003371583.1).
Genomic context (GRCh38, chr11:17,470,184, plus strand): 5'-GAAGTCTCGATGTTGTGATAGTAGACCACGGAGGTGACAGCAGCCATGAACGCCATCCCG[G>A]CTGGCATGTACAGGTGCAGATGGTGGGATTCGGTCACCCTGAGATGGGAGAGAGAAACAG-3'
Protein context (NP_000343.2, residues 100-120): ESHHLHLYMP[Ala110Val]GMAFMAAVTS

ClinVar aggregate classification (germline): Uncertain significance (1 of 4 stars; one submission).

Submission:

GeneDx
Classification: Uncertain significance. Last evaluated: 2024-03-25. Review status: criteria provided, single submitter. Criteria: GeneDx Variant Classification Process June 2021. Collection method: clinical testing. Allele origin: germline. Affected: yes.
Comment: Not observed at significant frequency in large population cohorts (gnomAD); In silico analysis supports that this missense variant does not alter protein structure/function; Has not been previously published as pathogenic or benign to our knowledge